The following is an entry in ClinVar:

ClinVar aggregate classification (germline): Uncertain significance (1 of 4 stars; one submission).

Conditions:
Cerebral arteriopathy, autosomal dominant, with subcortical infarcts and leukoencephalopathy, type 1 (CADASIL1). Also called: CADASIL 1; CASIL; Cerebral arteriopathy with subcortical infarcts and leukoencephalopathy 1; DEMENTIA, HEREDITARY MULTIINFARCT TYPE. Identifiers: Orphanet 136, MedGen C4551768, MONDO:0000914, OMIM 125310.

gnomAD v4.1: 6 of 1,613,900 alleles (0.00037%); highest among the groups gnomAD compares: Non-Finnish European, 0.00042%; no homozygotes.

Submission:

MVZ Medizinische Genetik Mainz
Classification: Uncertain significance for Cerebral arteriopathy, autosomal dominant, with subcortical infarcts and leukoencephalopathy, type 1. Last evaluated: 2023-05-12. Review status: criteria provided, single submitter. Criteria: UK Practice Guidelines For Variant Classification V4 01 2020. Collection method: clinical testing. Allele origin: germline. Inheritance: Autosomal dominant inheritance. Affected: yes. Observed: 1 variant allele.
Comment: PM2_SUP,PP3

NM_000435.3(NOTCH3):c.1074C>A (p.Asn358Lys)

Gene: NOTCH3 (notch receptor 3; minus strand). Cytogenetic location: 19p13.12.
Variant type: single nucleotide variant.
Coding change: c.1074C>A on transcript NM_000435.3 (MANE Select); coding-DNA position 1074, C replaced by A.
Protein change: p.Asn358Lys; replaces asparagine 358 with lysine.
Molecular consequence: missense variant.
Genome position (GRCh38, 1-based): chr19:15,189,391, G>T on the plus strand (C>A on the coding strand, the complement: NOTCH3 is on the minus strand). VCF-style: chr19-15189391-G-T. GRCh37 (hg19) VCF-style: chr19-15300202-G-T.
Other names: short protein forms N358K.
Identifiers: ClinVar variation 3061847 (VCV003061847.1), dbSNP rs760908917, ClinGen allele CA404529450.